The following is an entry in ClinVar:

NM_001367561.1(DOCK7):c.5977A>G (p.Ile1993Val)

Gene: DOCK7 (dedicator of cytokinesis 7; minus strand). Cytogenetic location: 1p31.3.
Variant type: single nucleotide variant.
Coding change: c.5977A>G on transcript NM_001367561.1 (MANE Select); coding-DNA position 5977, A replaced by G.
Protein change: p.Ile1993Val; replaces isoleucine 1993 with valine.
Molecular consequence: missense variant.
Genome position (GRCh38, 1-based): chr1:62,475,336, T>C on the plus strand (A>G on the coding strand, the complement: DOCK7 is on the minus strand). VCF-style: chr1-62475336-T-C. GRCh37 (hg19) VCF-style: chr1-62941007-T-C.
Other names: c.5944A>G, p.Ile1982Val (NM_001271999.2); c.5857A>G, p.Ile1953Val (NM_001272000.2); c.5851A>G, p.Ile1951Val (NM_001272001.2); c.5950A>G, p.Ile1984Val (NM_001330614.2); c.5884A>G, p.Ile1962Val (NM_033407.4); short protein forms I1951V, I1984V, I1962V, I1982V, I1993V, I1953V.
Identifiers: ClinVar variation 1490735 (VCV001490735.6), dbSNP rs767960188, ClinGen allele CA885316.
Genomic context (GRCh38, chr1:62,475,336, plus strand): 5'-GATGTGTTGCAAATGCCAACTCCTGTGTCTTTTTCTGCATGTCCTCAATAGCAACTTCAA[T>C]TGGTGTTAAGATGATCTGAGTAAAAGAGCATCTGTTAAATCAGTGTACTGACTGAAAACT-3'
Protein context (NP_001354490.1, residues 1983-2003): THKEEIILTP[Ile1993Val]EVAIEDMQKK

ClinVar aggregate classification (germline): Uncertain significance (1 of 4 stars; one submission).

Conditions:
Developmental and epileptic encephalopathy, 23 (DEE23). Also called: Epileptic encephalopathy, early infantile, 23. Identifiers: Orphanet 411986, MedGen C4014492, MONDO:0014371, OMIM 615859.

Allele frequency attached by ClinVar (database versions not stated): gnomAD exomes below 0.00001 and 0.00001; ExAC 0.00001; TOPMed 0.00001.
gnomAD v4.1: 9 of 1,613,908 alleles (0.00056%); highest among the groups gnomAD compares: East Asian, 0.0022%; no homozygotes.

Submission:

Labcorp Genetics (formerly Invitae), Labcorp
Classification: Uncertain significance for Developmental and epileptic encephalopathy, 23. Last evaluated: 2022-09-01. Review status: criteria provided, single submitter. Criteria: Invitae Variant Classification Sherloc (09022015). Collection method: clinical testing. Allele origin: germline.
Comment: ClinVar contains an entry for this variant (Variation ID: 1490735). In summary, the available evidence is currently insufficient to determine the role of this variant in disease. Therefore, it has been classified as a Variant of Uncertain Significance. Algorithms developed to predict the effect of sequence changes on RNA splicing suggest that this variant may create or strengthen a splice site. Algorithms developed to predict the effect of missense changes on protein structure and function output the following: SIFT: "Deleterious"; PolyPhen-2: "Benign"; Align-GVGD: "Class C25". The valine amino acid residue is found in multiple mammalian species, which suggests that this missense change does not adversely affect protein function. This variant has not been reported in the literature in individuals affected with DOCK7-related conditions. This variant is present in population databases (rs767960188, gnomAD 0.003%). This sequence change replaces isoleucine, which is neutral and non-polar, with valine, which is neutral and non-polar, at codon 1982 of the DOCK7 protein (p.Ile1982Val).